The following is an entry in ClinVar:

ClinVar aggregate classification (germline): Benign (1 of 4 stars; one submission).

Conditions:
Neonatal diabetes mellitus with congenital hypothyroidism. Also called: NDH SYNDROME. Identifiers: Orphanet 79118, MedGen C1857775, MONDO:0012436, OMIM 610199.

Allele frequency attached by ClinVar (database versions not stated): TOPMed 0.01549; gnomAD 0.01858 and 0.01953; 1000 Genomes Project 0.01897; 1000 Genomes Project 30x 0.01921.

Submission:

Illumina Laboratory Services, Illumina
Classification: Benign for Neonatal diabetes mellitus with congenital hypothyroidism. Last evaluated: 2018-01-12. Review status: criteria provided, single submitter. Criteria: ICSL Variant Classification Criteria 13 December 2019. Collection method: clinical testing. Allele origin: germline.
Comment: This variant was observed in the ICSL laboratory as part of a predisposition screen in an ostensibly healthy population. It had not been previously curated by ICSL or reported in the Human Gene Mutation Database (HGMD: prior to June 1st, 2018), and was therefore a candidate for classification through an automated scoring system. Utilizing variant allele frequency, disease prevalence and penetrance estimates, and inheritance mode, an automated score was calculated to assess if this variant is too frequent to cause the disease. Based on the score and internal cut-off values, a variant classified as benign is not then subjected to further curation. The score for this variant resulted in a classification of benign for this disease.

NM_001042413.2(GLIS3):c.*1827T>G

Gene: GLIS3 (GLIS family zinc finger 3; minus strand). Cytogenetic location: 9p24.2.
Variant type: single nucleotide variant.
Coding change: c.*1827T>G on transcript NM_001042413.2 (MANE Select); 1827 bases downstream of the stop codon, T replaced by G.
Molecular consequence: 3 prime UTR variant.
Genome position (GRCh38, 1-based): chr9:3,826,445, A>C on the plus strand (T>G on the coding strand, the complement: GLIS3 is on the minus strand). VCF-style: chr9-3826445-A-C. GRCh37 (hg19) VCF-style: chr9-3826445-A-C.
Other names: c.*1827T>G (NM_152629.4).
Identifiers: ClinVar variation 366926 (VCV000366926.5), dbSNP rs16919705, ClinGen allele CA10633713.